The following is an entry in ClinVar:

NM_000246.4(CIITA):c.2254G>C (p.Glu752Gln)

Gene: CIITA (class II major histocompatibility complex transactivator; plus strand). Cytogenetic location: 16p13.13.
Variant type: single nucleotide variant.
Coding change: c.2254G>C on transcript NM_000246.4 (MANE Select); coding-DNA position 2254, G replaced by C.
Protein change: p.Glu752Gln; replaces glutamic acid 752 with glutamine.
Molecular consequence: missense variant. On other transcripts: intron variant (1).
Genome position (GRCh38, 1-based): chr16:10,907,746, G>C. VCF-style: chr16-10907746-G-C. GRCh37 (hg19) VCF-style: chr16-11001603-G-C.
Other names: c.2257G>C, p.Glu753Gln (NM_001286402.1, NM_001379332.1); c.2110G>C, p.Glu704Gln (NM_001379330.1); c.2107G>C, p.Glu703Gln (NM_001379331.1); c.2254G>C, p.Glu752Gln (NM_001379333.1); c.2185G>C, p.Glu729Gln (NM_001379334.1); c.860-1237G>C (NM_001286403.2); short protein forms E703Q, E753Q, E704Q, E752Q, E729Q.
Identifiers: ClinVar variation 3018907 (VCV003018907.3), dbSNP rs2544492705, ClinGen allele CA394732783.
Genomic context (GRCh38, chr16:10,907,746, plus strand): 5'-GAGCTCCCGCAGTACCTAGCATTGACCCCAAGGAAGAAGAGGCCCTATGACAACTGGCTG[G>C]AGGGCGTGCCACGCTTTCTGGCTGGGCTGATCTTCCAGCCTCCCGCCCGCTGCCTGGGAG-3'
Protein context (NP_000237.2, residues 742-762): RKKRPYDNWL[Glu752Gln]GVPRFLAGLI

ClinVar aggregate classification (germline): Uncertain significance (1 of 4 stars; one submission).

Conditions:
MHC class II deficiency. Also called: Bare lymphocyte syndrome 2; BLS, TYPE II. Identifiers: Orphanet 572, MedGen C5447452, MONDO:0008855.

Submission:

Labcorp Genetics (formerly Invitae), Labcorp
Classification: Uncertain significance for MHC class II deficiency. Last evaluated: 2023-11-19. Review status: criteria provided, single submitter. Criteria: Invitae Variant Classification Sherloc (09022015). Collection method: clinical testing. Allele origin: germline.
Comment: This sequence change replaces glutamic acid, which is acidic and polar, with glutamine, which is neutral and polar, at codon 752 of the CIITA protein (p.Glu752Gln). This variant is not present in population databases (gnomAD no frequency). This variant has not been reported in the literature in individuals affected with CIITA-related conditions. An algorithm developed to predict the effect of missense changes on protein structure and function (PolyPhen-2) suggests that this variant is likely to be disruptive. In summary, the available evidence is currently insufficient to determine the role of this variant in disease. Therefore, it has been classified as a Variant of Uncertain Significance.